The following is an entry in ClinVar:

ClinVar aggregate classification (germline): Uncertain significance. Review status: criteria provided, multiple submitters, no conflicts (2 of 4 stars). 2 submissions from 2 submitters: Uncertain significance (2). Last evaluated 2025-08-24.

Conditions:
Inborn genetic diseases. Identifiers: MedGen C0950123, MeSH D030342.
Peroxisome biogenesis disorder, complementation group 7 (CG7). Also called: Peroxisome biogenesis disorder, complementation group B. Identifiers: MedGen C1864399.

Submissions (2):

Ambry Genetics
Classification: Uncertain significance for Inborn genetic diseases. Last evaluated: 2025-08-24. Review status: criteria provided, single submitter. Criteria: Ambry Variant Classification Scheme 2023. Collection method: clinical testing. Allele origin: germline.

Labcorp Genetics (formerly Invitae), Labcorp
Classification: Uncertain significance for Peroxisome biogenesis disorder, complementation group 7. Last evaluated: 2022-02-14. Review status: criteria provided, single submitter. Criteria: Invitae Variant Classification Sherloc (09022015). Collection method: clinical testing. Allele origin: germline.
Comment: This sequence change replaces proline, which is neutral and non-polar, with threonine, which is neutral and polar, at codon 8 of the PEX10 protein (p.Pro8Thr). This variant is not present in population databases (gnomAD no frequency). This variant has not been reported in the literature in individuals affected with PEX10-related conditions. Algorithms developed to predict the effect of missense changes on protein structure and function (SIFT, PolyPhen-2, Align-GVGD) all suggest that this variant is likely to be tolerated. In summary, the available evidence is currently insufficient to determine the role of this variant in disease. Therefore, it has been classified as a Variant of Uncertain Significance.

NM_002617.4(PEX10):c.22C>A (p.Pro8Thr)

Gene: PEX10 (peroxisomal biogenesis factor 10; minus strand). Cytogenetic location: 1p36.32.
Variant type: single nucleotide variant.
Coding change: c.22C>A on transcript NM_002617.4 (MANE Select); coding-DNA position 22, C replaced by A.
Protein change: p.Pro8Thr; replaces proline 8 with threonine.
Molecular consequence: missense variant. On other transcripts: intron variant (2).
Genome position (GRCh38, 1-based): chr1:2,412,481, G>T on the plus strand (C>A on the coding strand, the complement: PEX10 is on the minus strand). VCF-style: chr1-2412481-G-T. GRCh37 (hg19) VCF-style: chr1-2343920-G-T.
Other names: c.22C>A, p.Pro8Thr (NM_001374425.1, NM_153818.2); c.-321+1116C>A (NM_001374427.1, NM_001374426.1); c.22C>A (NM_153818.1); short protein forms P8T.
Identifiers: ClinVar variation 2148725 (VCV002148725.2), dbSNP rs781306925, ClinGen allele CA337990722.